The following is an entry in ClinVar:

NM_001692.4(ATP6V1B1):c.1248+9A>G

Gene: ATP6V1B1 (ATPase H+ transporting V1 subunit B1; plus strand). Cytogenetic location: 2p13.3.
Variant type: single nucleotide variant.
Coding change: c.1248+9A>G on transcript NM_001692.4 (MANE Select); 9 bases into the intron after coding-DNA position 1248, A replaced by G.
Molecular consequence: intron variant.
Genome position (GRCh38, 1-based): chr2:70,964,551, A>G. VCF-style: chr2-70964551-A-G. GRCh37 (hg19) VCF-style: chr2-71191681-A-G.
Other names: p.?.
Identifiers: ClinVar variation 44223 (VCV000044223.22), dbSNP rs78140305, ClinGen allele CA133775.

ClinVar aggregate classification (germline): Benign. Review status: criteria provided, multiple submitters, no conflicts (2 of 4 stars). 8 submissions from 8 submitters: Benign (6). 2 of the submissions do not count toward it. Last evaluated 2026-02-02.

Conditions:
Renal tubular acidosis with progressive nerve deafness. Also called: renal tubular acidosis, distal, 2, with progressive sensorineural hearing loss; Distal Renal Tubular Acidosis with Progressive Sensorineural Deafness; RENAL TUBULAR ACIDOSIS, AUTOSOMAL RECESSIVE, WITH PROGRESSIVE NERVE DEAFNESS; RTA WITH PROGRESSIVE NERVE DEAFNESS. Identifiers: MedGen C0403554, MONDO:0009968, OMIM 267300.

Allele frequency attached by ClinVar (database versions not stated): gnomAD exomes 0.00268 and 0.00690; ExAC 0.00857; gnomAD 0.02691 and 0.02887; 1000 Genomes Project 0.02915; TOPMed 0.03038; ESP Exome Variant Server 0.03060; 1000 Genomes Project 30x 0.03092.
gnomAD v4.1: 8,181 of 1,613,652 alleles (0.51%); highest among the groups gnomAD compares: African/African-American, 9.8%; 359 homozygotes.

Submissions (8):

Labcorp Genetics (formerly Invitae), Labcorp
Classification: Benign. Last evaluated: 2026-02-02. Review status: criteria provided, single submitter. Criteria: Invitae Variant Classification Sherloc (09022015). Collection method: clinical testing. Allele origin: germline.

Mayo Clinic Laboratories, Mayo Clinic
Classification: Benign. Last evaluated: 2023-03-25. Review status: criteria provided, single submitter. Criteria: ACMG Guidelines, 2015. Collection method: clinical testing. Allele origin: germline. Observed: 6 variant alleles.

Illumina Laboratory Services, Illumina
Classification: Benign for Renal tubular acidosis with progressive nerve deafness. Last evaluated: 2018-01-13. Review status: criteria provided, single submitter. Criteria: ICSL Variant Classification Criteria 13 December 2019. Collection method: clinical testing. Allele origin: germline.
Comment: This variant was observed in the ICSL laboratory as part of a predisposition screen in an ostensibly healthy population. It had not been previously curated by ICSL or reported in the Human Gene Mutation Database (HGMD: prior to June 1st, 2018), and was therefore a candidate for classification through an automated scoring system. Utilizing variant allele frequency, disease prevalence and penetrance estimates, and inheritance mode, an automated score was calculated to assess if this variant is too frequent to cause the disease. Based on the score and internal cut-off values, a variant classified as benign is not then subjected to further curation. The score for this variant resulted in a classification of benign for this disease.

GeneDx
Classification: Benign. Last evaluated: 2018-01-11. Review status: criteria provided, single submitter. Criteria: GeneDx Variant Classification (06012015). Collection method: clinical testing. Allele origin: germline. Affected: yes.
Comment: This variant is considered likely benign or benign based on one or more of the following criteria: it is a conservative change, it occurs at a poorly conserved position in the protein, it is predicted to be benign by multiple in silico algorithms, and/or has population frequency not consistent with disease.

Laboratory for Molecular Medicine, Mass General Brigham Personalized Medicine
Classification: Benign. Last evaluated: 2012-05-07. Review status: criteria provided, single submitter. Criteria: LMM Criteria. Collection method: clinical testing. Allele origin: germline. Observed: 26 variant alleles.
Comment: 1248+9A>G in Intron 12 of ATP6V1B1: This variant is not expected to have clinica l significance because it is not located within the conserved splice consensus s equence and has been identified in 8.7% (327/3738) of African American chromosom es from a broad population by the NHLBI Exome Sequencing Project (.; dbSNP rs78140305).

Breakthrough Genomics
Classification: Benign. Review status: criteria provided, single submitter. Criteria: ACMG Guidelines, 2015. Collection method: not provided. Allele origin: germline. Inheritance: Autosomal recessive inheritance. Affected: yes.

Natera, Inc.
Classification: Benign for Renal tubular acidosis with progressive nerve deafness. Last evaluated: 2020-09-16. Review status: no assertion criteria provided. Collection method: clinical testing. Allele origin: germline. Not counted in ClinVar's aggregate classification.

Counsyl
Classification: Benign for Renal tubular acidosis with progressive nerve deafness. Last evaluated: 2017-03-06. Review status: no assertion criteria provided. Collection method: clinical testing. Allele origin: unknown. Not counted in ClinVar's aggregate classification.